The following is an entry in ClinVar:

NM_001042424.3(NSD2):c.3823T>A (p.Phe1275Ile)

Gene: NSD2 (nuclear receptor binding SET domain protein 2; plus strand). Cytogenetic location: 4p16.3.
Variant type: single nucleotide variant.
Coding change: c.3823T>A on transcript NM_001042424.3 (MANE Select); coding-DNA position 3823, T replaced by A.
Protein change: p.Phe1275Ile; replaces phenylalanine 1275 with isoleucine.
Molecular consequence: missense variant.
Genome position (GRCh38, 1-based): chr4:1,976,676, T>A. VCF-style: chr4-1976676-T-A. GRCh37 (hg19) VCF-style: chr4-1978403-T-A.
Other names: c.3922T>A, p.Phe1308Ile (NM_001440893.1); c.3706T>A, p.Phe1236Ile (NM_001440894.1); c.3676T>A, p.Phe1226Ile (NM_001440895.1); c.3622T>A, p.Phe1208Ile (NM_001440896.1); c.3616T>A, p.Phe1206Ile (NM_001440897.1); c.3499T>A, p.Phe1167Ile (NM_001440898.1); c.2854T>A, p.Phe952Ile (NM_001440899.1, NM_001440900.1); c.3823T>A, p.Phe1275Ile (NM_133330.3, NM_133331.3, NM_001440892.1 and 1 more transcripts); short protein forms F1167I, F1206I, F1208I, F1226I, F1236I, F1275I, F1308I, F952I.
Identifiers: ClinVar variation 4880833 (VCV004880833.2).

ClinVar aggregate classification (germline): Uncertain significance (1 of 4 stars; one submission).

Conditions:
NSD2-related developmental disorder (monoallelic).

Submission:

Dasa
Classification: Uncertain significance for NSD2-related developmental disorder (monoallelic). Last evaluated: 2024-12-14. Review status: criteria provided, single submitter. Criteria: DASA Assertion Criteria. Collection method: clinical testing. Allele origin: germline.
Comment: NM_001042424.3(NSD2):c.3823T>A (p.Phe1275Ile) is a missense variant that results in the substitution of phenylalanine with isoleucine. This variant is absent from population databases. Computational prediction algorithms are consistent with a deleterious effect. The currently available literature and clinical evidence are not sufficient to establish a definitive association between this variant and the reported condition. Therefore, this variant is classified as a variant of uncertain significance.